The following is an entry in ClinVar:

ClinVar aggregate classification (germline): Uncertain significance (1 of 4 stars; one submission).

Conditions:
Camptomelic dysplasia (CMPD). Also called: CMPD1/SRA1; Campomelic Dysplasia. Identifiers: Orphanet 140, MedGen C1861922, MONDO:0007251, OMIM 114290.

Submission:

Labcorp Genetics (formerly Invitae), Labcorp
Classification: Uncertain significance for Camptomelic dysplasia. Last evaluated: 2023-07-12. Review status: criteria provided, single submitter. Criteria: Invitae Variant Classification Sherloc (09022015). Collection method: clinical testing. Allele origin: germline.
Comment: This sequence change replaces isoleucine, which is neutral and non-polar, with phenylalanine, which is neutral and non-polar, at codon 203 of the SOX9 protein (p.Ile203Phe). In summary, the available evidence is currently insufficient to determine the role of this variant in disease. Therefore, it has been classified as a Variant of Uncertain Significance. Advanced modeling of protein sequence and biophysical properties (such as structural, functional, and spatial information, amino acid conservation, physicochemical variation, residue mobility, and thermodynamic stability) has been performed at Invitae for this missense variant, however the output from this modeling did not meet the statistical confidence thresholds required to predict the impact of this variant on SOX9 protein function. This variant has not been reported in the literature in individuals affected with SOX9-related conditions. This variant is not present in population databases (gnomAD no frequency).

NM_000346.4(SOX9):c.607A>T (p.Ile203Phe)

Gene: SOX9 (SRY-box transcription factor 9; plus strand). Cytogenetic location: 17q24.3.
Variant type: single nucleotide variant.
Coding change: c.607A>T on transcript NM_000346.4 (MANE Select); coding-DNA position 607, A replaced by T.
Protein change: p.Ile203Phe; replaces isoleucine 203 with phenylalanine.
Molecular consequence: missense variant.
Genome position (GRCh38, 1-based): chr17:72,122,894, A>T. VCF-style: chr17-72122894-A-T. GRCh37 (hg19) VCF-style: chr17-70119035-A-T.
Other names: short protein forms I203F.
Identifiers: ClinVar variation 2733914 (VCV002733914.3), dbSNP rs1222573664, ClinGen allele CA400866659.
Genomic context (GRCh38, chr17:72,122,894, plus strand): 5'-AAGAACGGGCAGGCGGAGGCAGAGGAGGCCACGGAGCAGACGCACATCTCCCCCAACGCC[A>T]TCTTCAAGGCGCTGCAGGCCGACTCGCCACACTCCTCCTCCGGCATGAGCGAGGTGCACT-3'
Protein context (NP_000337.1, residues 193-213): TEQTHISPNA[Ile203Phe]FKALQADSPH